The following is an entry in ClinVar:

NM_000421.5(KRT10):c.1724G>T (p.Gly575Val)

Gene: KRT10 (keratin 10; minus strand). Cytogenetic location: 17q21.2.
Variant type: single nucleotide variant.
Coding change: c.1724G>T on transcript NM_000421.5 (MANE Select); coding-DNA position 1724, G replaced by T.
Protein change: p.Gly575Val; replaces glycine 575 with valine.
Molecular consequence: missense variant.
Genome position (GRCh38, 1-based): chr17:40,818,811, C>A on the plus strand (G>T on the coding strand, the complement: KRT10 is on the minus strand). VCF-style: chr17-40818811-C-A. GRCh37 (hg19) VCF-style: chr17-38975063-C-A.
Other names: c.1724G>T, p.Gly575Val (NM_001379366.1); c.1724G>T (NM_000421.3); short protein forms G575V.
Identifiers: ClinVar variation 1598575 (VCV001598575.9), dbSNP rs199785115, ClinGen allele CA8547884.
Genomic context (GRCh38, chr17:40,818,811, plus strand): 5'-AACTAATTCTGATTACCCCAGCTAGTTTCTGCTGACCTTGGTCCCTTAGATGAAGACTCG[C>A]CCACGGACCCGGAAGAGGAGGACTTGTGGCCTCCGCTGGAGCTGCCGCCGCCGTATCCGC-3'
Protein context (NP_000412.4, residues 565-584): GHKSSSSGSV[Gly575Val]ESSSKGPRY

ClinVar aggregate classification (germline): Benign. Review status: criteria provided, single submitter (1 of 4 stars). 2 submissions from 2 submitters: Benign (1). 1 of the submissions does not count toward it. Last evaluated 2025-12-21.

Conditions:
KRT10-related disorder. Also called: KRT10-related condition.

Allele frequency attached by ClinVar (database versions not stated): ESP Exome Variant Server 0.00055; ExAC 0.00074; gnomAD exomes 0.00107 and 0.00139; gnomAD 0.00111 and 0.00113; 1000 Genomes Project 0.00120; 1000 Genomes Project 30x 0.00125; TOPMed 0.00147.
gnomAD v4.1: 2,178 of 1,598,260 alleles (0.14%); highest among the groups gnomAD compares: Admixed American, 0.37%; 8 homozygotes.

Submissions (2):

Labcorp Genetics (formerly Invitae), Labcorp
Classification: Benign. Last evaluated: 2025-12-21. Review status: criteria provided, single submitter. Criteria: Invitae Variant Classification Sherloc (09022015). Collection method: clinical testing. Allele origin: germline.

PreventionGenetics, part of Exact Sciences
Classification: Likely benign for KRT10-related condition. Last evaluated: 2024-03-26. Review status: no assertion criteria provided. Collection method: clinical testing. Allele origin: germline. Not counted in ClinVar's aggregate classification.
Comment: This variant is classified as likely benign based on ACMG/AMP sequence variant interpretation guidelines (Richards et al. 2015 PMID: 25741868, with internal and published modifications).